The following is an entry in ClinVar:

ClinVar aggregate classification (germline): Uncertain significance (1 of 4 stars; one submission).

Conditions:
Hereditary cancer-predisposing syndrome. Also called: Tumor predisposition; Neoplastic Syndromes, Hereditary; Hereditary neoplastic syndrome; Hereditary Cancer Syndrome. Identifiers: Orphanet 140162, MedGen C0027672, MeSH D009386, MONDO:0015356.

Submission:

Ambry Genetics
Classification: Uncertain significance for Hereditary cancer-predisposing syndrome. Last evaluated: 2025-08-27. Review status: criteria provided, single submitter. Criteria: Ambry Variant Classification Scheme 2023. Collection method: clinical testing. Allele origin: germline.
Comment: The p.K521M variant (also known as c.1562A>T), located in coding exon 16 of the MUTYH gene, results from an A to T substitution at nucleotide position 1562. The lysine at codon 521 is replaced by methionine, an amino acid with similar properties. This amino acid position is conserved. In addition, this alteration is predicted to be tolerated by in silico analysis. Based on the available evidence, the clinical significance of this variant remains unclear.

NM_001048174.2(MUTYH):c.1478A>T (p.Lys493Met)

Gene: MUTYH (mutY DNA glycosylase; minus strand). Cytogenetic location: 1p34.1.
Variant type: single nucleotide variant.
Coding change: c.1478A>T on transcript NM_001048174.2 (MANE Select); coding-DNA position 1478, A replaced by T.
Protein change: p.Lys493Met; replaces lysine 493 with methionine.
Molecular consequence: missense variant. On other transcripts: non-coding transcript variant (7).
Genome position (GRCh38, 1-based): chr1:45,329,394, T>A on the plus strand (A>T on the coding strand, the complement: MUTYH is on the minus strand). VCF-style: chr1-45329394-T-A. GRCh37 (hg19) VCF-style: chr1-45795066-T-A.
Other names: c.1478A>T, p.Lys493Met (NM_001048171.2, NM_001048173.2, NM_001293195.2 and 6 more transcripts); c.1481A>T, p.Lys494Met (NM_001048172.2, NM_001407071.1, NM_001407078.1 and 1 more transcripts); c.1562A>T, p.Lys521Met (NM_001128425.2); c.1523A>T, p.Lys508Met (NM_001293190.2); c.1511A>T, p.Lys504Met (NM_001293191.2, NM_001407069.1, NM_001407077.1); c.1202A>T, p.Lys401Met (NM_001293192.2, NM_001293196.2, NM_001407091.1); c.1133A>T, p.Lys378Met (NM_001350650.2, NM_001350651.2, NM_001407082.1); c.1394A>T, p.Lys465Met (NM_001407075.1); and 5 more; short protein forms K480M, K494M, K479M, K504M, K508M, K500M, K521M, K378M.
Identifiers: ClinVar variation 4113368 (VCV004113368.1).